The following is an entry in ClinVar:

ClinVar aggregate classification (germline): Uncertain significance. Review status: criteria provided, multiple submitters, no conflicts (2 of 4 stars). 2 submissions from 2 submitters: Uncertain significance (2). Last evaluated 2024-01-29.

Conditions:
Familial X-linked hypophosphatemic vitamin D refractory rickets (XLHRD). Also called: Hypophosphatemic Rickets, X-Linked Dominant; HYPOPHOSPHATEMIC VITAMIN D-RESISTANT RICKETS; X-Linked Hypophosphatemia; Hypophosphatemia, vitamin D-resistant rickets; Vitamin D-resistant rickets, X-linked. Identifiers: Orphanet 89936, MedGen C0733682, MONDO:0010619, OMIM 307800.

gnomAD v4.1: 8 of 1,206,427 alleles (0.00066%); highest among the groups gnomAD compares: African/African-American, 0.0018%; no homozygotes.

Submissions (2):

Fulgent Genetics
Classification: Uncertain significance for Familial X-linked hypophosphatemic vitamin D refractory rickets. Last evaluated: 2024-01-29. Review status: criteria provided, single submitter. Criteria: ACMG Guidelines, 2015. Collection method: clinical testing. Allele origin: germline.

Labcorp Genetics (formerly Invitae), Labcorp
Classification: Uncertain significance. Last evaluated: 2023-06-05. Review status: criteria provided, single submitter. Criteria: Invitae Variant Classification Sherloc (09022015). Collection method: clinical testing. Allele origin: germline.
Comment: ClinVar contains an entry for this variant (Variation ID: 1898401). In summary, the available evidence is currently insufficient to determine the role of this variant in disease. Therefore, it has been classified as a Variant of Uncertain Significance. Advanced modeling of protein sequence and biophysical properties (such as structural, functional, and spatial information, amino acid conservation, physicochemical variation, residue mobility, and thermodynamic stability) has been performed at Invitae for this missense variant, however the output from this modeling did not meet the statistical confidence thresholds required to predict the impact of this variant on PHEX protein function. This variant has not been reported in the literature in individuals affected with PHEX-related conditions. This variant is present in population databases (no rsID available, gnomAD 0.002%). This sequence change replaces arginine, which is basic and polar, with threonine, which is neutral and polar, at codon 325 of the PHEX protein (p.Arg325Thr).

NM_000444.6(PHEX):c.974G>C (p.Arg325Thr)

Gene: PHEX (phosphate regulating endopeptidase X-linked; plus strand). Cytogenetic location: Xp22.11.
Variant type: single nucleotide variant.
Coding change: c.974G>C on transcript NM_000444.6 (MANE Select); coding-DNA position 974, G replaced by C.
Protein change: p.Arg325Thr; replaces arginine 325 with threonine.
Molecular consequence: missense variant.
Genome position (GRCh38, 1-based): chrX:22,099,046, G>C. VCF-style: chrX-22099046-G-C. GRCh37 (hg19) VCF-style: chrX-22117164-G-C.
Other names: c.974G>C, p.Arg325Thr (NM_001282754.2); short protein forms R325T.
Identifiers: ClinVar variation 1898401 (VCV001898401.6), dbSNP rs1475486575, ClinGen allele CA412572822.